The following is an entry in ClinVar:

NM_181712.5(KANK4):c.761T>C (p.Phe254Ser)

Gene: KANK4 (KN motif and ankyrin repeat domains 4; minus strand). Cytogenetic location: 1p31.3.
Variant type: single nucleotide variant.
Coding change: c.761T>C on transcript NM_181712.5 (MANE Select); coding-DNA position 761, T replaced by C.
Protein change: p.Phe254Ser; replaces phenylalanine 254 with serine.
Molecular consequence: missense variant. On other transcripts: intron variant (1).
Genome position (GRCh38, 1-based): chr1:62,274,343, A>G on the plus strand (T>C on the coding strand, the complement: KANK4 is on the minus strand). VCF-style: chr1-62274343-A-G. GRCh37 (hg19) VCF-style: chr1-62740015-A-G.
Other names: c.17-2754T>C (NM_001320269.2); short protein forms F254S.
Identifiers: ClinVar variation 3014932 (VCV003014932.3), dbSNP rs745431696, ClinGen allele CA884503.
Genomic context (GRCh38, chr1:62,274,343, plus strand): 5'-TCTGCTTCTCTGGCATTGTGTTCATCTTCCTTGTCCTCTAGAACTACAAGCACATTCTGG[A>G]ATGAGAAAGGAGGGCCTGGGAGAGGGAGGTGATTTGGAACCTTCACCACACCCTCTGGAG-3'
Protein context (NP_859063.3, residues 244-264): HLPLPGPPFS[Phe254Ser]QNVLVVLEDK

ClinVar aggregate classification (germline): Uncertain significance (1 of 4 stars; one submission).

Allele frequency attached by ClinVar (database versions not stated): gnomAD exomes 0.00001; ExAC 0.00002; TOPMed 0.00002.
gnomAD v4.1: 8 of 1,614,108 alleles (0.0005%); highest among the groups gnomAD compares: Admixed American, 0.013%; no homozygotes.

Submission:

Labcorp Genetics (formerly Invitae), Labcorp
Classification: Uncertain significance. Last evaluated: 2024-04-16. Review status: criteria provided, single submitter. Criteria: Invitae Variant Classification Sherloc (09022015). Collection method: clinical testing. Allele origin: germline.
Comment: This sequence change replaces phenylalanine, which is neutral and non-polar, with serine, which is neutral and polar, at codon 254 of the KANK4 protein (p.Phe254Ser). This variant is present in population databases (rs745431696, gnomAD 0.02%). This variant has not been reported in the literature in individuals affected with KANK4-related conditions. Algorithms developed to predict the effect of missense changes on protein structure and function output the following: SIFT: "Not Available"; PolyPhen-2: "Benign"; Align-GVGD: "Not Available". The serine amino acid residue is found in multiple mammalian species, which suggests that this missense change does not adversely affect protein function. In summary, the available evidence is currently insufficient to determine the role of this variant in disease. Therefore, it has been classified as a Variant of Uncertain Significance.